The following is an entry in ClinVar:

ClinVar aggregate classification (germline): Pathogenic/Likely pathogenic. Review status: criteria provided, multiple submitters, no conflicts (2 of 4 stars). 2 submissions from 2 submitters: Pathogenic (1); Likely pathogenic (1). Last evaluated 2023-01-25.

Conditions:
Joubert syndrome 25 (JBTS25). Identifiers: Orphanet 475, MedGen C4084842, MONDO:0014770, OMIM 616781.

Submissions (2):

Broad Center for Mendelian Genomics, Broad Institute of MIT and Harvard
Classification: Likely pathogenic for Joubert syndrome 25. Last evaluated: 2023-01-25. Review status: criteria provided, single submitter. Criteria: ACMG Guidelines, 2015. Collection method: curation. Allele origin: germline. Inheritance: Autosomal recessive inheritance.
Comment: The p.Cys101fs*Ter1 variant in CEP104 has not been previously reported in individuals with Joubert syndrome 25, but has been identified in 0.0008% (1/125568) of chromosomes by TopMed Bravo (dbSNP ID: rs1484807480). Although this variant has been seen in the general population in a heterozygous state, its frequency is low enough to be consistent with a recessive carrier frequency. This variant has also been reported in ClinVar (Variation ID: 800522) and has been interpreted as a variant of uncertain significance by the Broad Institute Rare Disease Group. This variant is predicted to cause a frameshift, which alters the protein‚Äôs amino acid sequence beginning at position 101 and leads to a premature termination codon 1 amino acids downstream. This alteration is then predicted to lead to a truncated or absent protein. Loss of function of the CEP104 gene is strongly associated to autosomal recessive Joubert syndrome 25. In summary, although additional studies are required to fully establish its clinical significance, this variant is likely pathogenic for autosomal autosomal recessive Joubert syndrome 25. ACMG/AMP Criteria applied: PVS1_Strong, PM2_Supporting, PM3_Supporting (Richards 2015).

Labcorp Genetics (formerly Invitae), Labcorp
Classification: Pathogenic for Joubert syndrome 25. Last evaluated: 2022-12-28. Review status: criteria provided, single submitter. Criteria: Invitae Variant Classification Sherloc (09022015). Collection method: clinical testing. Allele origin: germline.
Comment: For these reasons, this variant has been classified as Pathogenic. This variant has not been reported in the literature in individuals affected with CEP104-related conditions. This variant is not present in population databases (gnomAD no frequency). This sequence change creates a premature translational stop signal (p.Cys101*) in the CEP104 gene. It is expected to result in an absent or disrupted protein product. Loss-of-function variants in CEP104 are known to be pathogenic (PMID: 26477546).

Literature cited by the submitters: PubMed 26477546 (cited by Labcorp Genetics (formerly Invitae), Labcorp).

NM_014704.4(CEP104):c.300_301del (p.Leu100_Cys101insTer)

Gene: CEP104 (centrosomal protein 104; minus strand). Cytogenetic location: 1p36.32.
Variant type: Microsatellite.
Coding change: c.300_301del on transcript NM_014704.4 (MANE Select); coding-DNA positions 300 to 301, 2 bases deleted (CT; older notation c.300_301delCT).
Protein change: p.Leu100_Cys101insTer.
Molecular consequence: frameshift variant.
Genome position (GRCh38, 1-based): chr1:3,847,600-3,847,601, AG deleted on the plus strand (CT on the coding strand, the reverse complement: CEP104 is on the minus strand); deleting any 2 consecutive bases within chr1:3,847,600-3,847,606 gives the same sequence; the c. name uses the placement nearest the transcript's 3' end. VCF-style (leftmost placement, unchanged base first): chr1-3847599-CAG-C. GRCh37 (hg19) VCF-style: chr1-3764163-CAG-C.
Other names: NM_014704.4(CEP104):c.300_301del; p.Leu100_Cys101insTer.
Identifiers: ClinVar variation 800522 (VCV000800522.5), dbSNP rs1484807480, ClinGen allele CA658795318.